The following is an entry in ClinVar:

ClinVar aggregate classification (germline): Uncertain significance. Review status: criteria provided, multiple submitters, no conflicts (2 of 4 stars). 2 submissions from 2 submitters: Uncertain significance (2). Last evaluated 2025-12-03.

Allele frequency attached by ClinVar (database versions not stated): gnomAD exomes 0.00002; TOPMed 0.00002; gnomAD 0.00003 and 0.00004; ESP Exome Variant Server 0.00008.
gnomAD v4.1: 27 of 1,613,976 alleles (0.0017%); highest among the groups gnomAD compares: Admixed American, 0.0033%; no homozygotes.

Submissions (2):

Ambry Genetics
Classification: Uncertain significance. Last evaluated: 2025-12-03. Review status: criteria provided, single submitter. Criteria: Ambry Variant Classification Scheme 2023. Collection method: clinical testing. Allele origin: germline.

Labcorp Genetics (formerly Invitae), Labcorp
Classification: Uncertain significance. Last evaluated: 2024-07-15. Review status: criteria provided, single submitter. Criteria: Invitae Variant Classification Sherloc (09022015). Collection method: clinical testing. Allele origin: germline.
Comment: This sequence change replaces arginine, which is basic and polar, with cysteine, which is neutral and slightly polar, at codon 1489 of the RUSC2 protein (p.Arg1489Cys). This variant is present in population databases (rs138573245, gnomAD 0.006%). This variant has not been reported in the literature in individuals affected with RUSC2-related conditions. ClinVar contains an entry for this variant (Variation ID: 1405345). An algorithm developed to predict the effect of missense changes on protein structure and function (PolyPhen-2) suggests that this variant is likely to be disruptive. In summary, the available evidence is currently insufficient to determine the role of this variant in disease. Therefore, it has been classified as a Variant of Uncertain Significance.

NM_014806.5(RUSC2):c.4465C>T (p.Arg1489Cys)

Gene: RUSC2 (RUN and SH3 domain containing 2; plus strand). Cytogenetic location: 9p13.3.
Variant type: single nucleotide variant.
Coding change: c.4465C>T on transcript NM_014806.5 (MANE Select); coding-DNA position 4465, C replaced by T.
Protein change: p.Arg1489Cys; replaces arginine 1489 with cysteine.
Molecular consequence: missense variant. On other transcripts: non-coding transcript variant (1).
Genome position (GRCh38, 1-based): chr9:35,561,296, C>T. VCF-style: chr9-35561296-C-T. GRCh37 (hg19) VCF-style: chr9-35561293-C-T.
Other names: c.4465C>T (NM_001135999.1); c.4465C>T, p.Arg1489Cys (NM_001135999.2); c.1831C>T, p.Arg611Cys (NM_001330740.2); short protein forms R611C, R1489C.
Identifiers: ClinVar variation 1405345 (VCV001405345.6), dbSNP rs138573245, ClinGen allele CA192761087.